The following is an entry in ClinVar:

NM_001244008.2(KIF1A):c.4206G>A (p.Ser1402=)

Gene: KIF1A (kinesin family member 1A; minus strand). Cytogenetic location: 2q37.3.
Variant type: single nucleotide variant.
Coding change: c.4206G>A on transcript NM_001244008.2 (MANE Select); coding-DNA position 4206, G replaced by A.
Protein change: p.Ser1402=; no amino-acid change (serine 1402 retained).
Molecular consequence: synonymous variant.
Genome position (GRCh38, 1-based): chr2:240,725,321, C>T on the plus strand (G>A on the coding strand, the complement: KIF1A is on the minus strand). VCF-style: chr2-240725321-C-T. GRCh37 (hg19) VCF-style: chr2-241664738-C-T.
Other names: c.3930G>A, p.Ser1310= (NM_001320705.2, NM_001379649.1); c.3957G>A, p.Ser1319= (NM_001330289.2); c.4005G>A, p.Ser1335= (NM_001330290.2, NM_001379648.1); c.4281G>A, p.Ser1427= (NM_001379631.1); c.4182G>A, p.Ser1394= (NM_001379632.1); c.4179G>A, p.Ser1393= (NM_001379633.1, NM_001379645.1); c.4032G>A, p.Ser1344= (NM_001379634.1); c.4029G>A, p.Ser1343= (NM_001379635.1, NM_001379646.1); and 7 more.
Identifiers: ClinVar variation 464245 (VCV000464245.37), dbSNP rs201656750, ClinGen allele CA2207466.
Genomic context (GRCh38, chr2:240,725,321, plus strand): 5'-GGGAGCTTACCTCTCTGAGGCCCGAAGGCTCCCACTGCCAAAGAGGTTGCGGATGGAGCG[C>T]GAGGCTGGCAGCTTGGCATCACGGGAATAGAAGACCATGCAGAAGTCCTTGGTGACAACA-3'
Protein context (NP_001230937.1, residues 1392-1412): FYSRDAKLPA[Ser1402=]RSIRNLFGSG

ClinVar aggregate classification (germline): Conflicting classifications of pathogenicity. Review status: criteria provided, conflicting classifications (1 of 4 stars). 8 submissions from 8 submitters: Uncertain significance (1); Likely benign (7). Last evaluated 2026-09-11.

Conditions:
Hereditary spastic paraplegia 30. Identifiers: Orphanet 101010, MedGen C5235139, MONDO:0012476.
Neuropathy, hereditary sensory, type 2C. Also called: Hereditary sensory and autonomic neuropathy type IIC; KIF1A-Related HSAN2 (HSAN2C). Identifiers: Orphanet 970, MedGen C3280168, MONDO:0013634, OMIM 614213.
Intellectual disability, autosomal dominant 9 (NESCAVS). Also called: NESCAV SYNDROME; KIF1A-Related Neurodevelopmental Disorder. Identifiers: Orphanet 662367, MedGen C5393830, MONDO:0013656, OMIM 614255.
KIF1A-related disorder. Also called: KIF1A-related disorders; KIF1A-related condition.
Inborn genetic diseases. Identifiers: MedGen C0950123, MeSH D030342.

Allele frequency attached by ClinVar (database versions not stated): gnomAD exomes 0.00012 and 0.00019; TOPMed 0.00013; ExAC 0.00014; gnomAD 0.00017; ESP Exome Variant Server 0.00024.
gnomAD v4.1: 310 of 1,610,774 alleles (0.019%); highest among the groups gnomAD compares: Middle Eastern, 0.033%; no homozygotes.

Submissions (8):

PreventionGenetics, part of Exact Sciences
Classification: Likely benign for KIF1A-related condition. Last evaluated: 2026-09-11. Review status: criteria provided, single submitter. Criteria: ACMG Guidelines, 2015. Collection method: clinical testing. Allele origin: germline.
Comment: This variant is classified as likely benign based on ACMG/AMP sequence variant interpretation guidelines (Richards et al. 2015 PMID: 25741868, with internal and published modifications).

Labcorp Genetics (formerly Invitae), Labcorp
Classification: Likely benign for Hereditary spastic paraplegia 30; Neuropathy, hereditary sensory, type 2C; Intellectual disability, autosomal dominant 9. Last evaluated: 2026-02-03. Review status: criteria provided, single submitter. Criteria: Invitae Variant Classification Sherloc (09022015). Collection method: clinical testing. Allele origin: germline.

Blueprint Genetics
Classification: Likely benign. Last evaluated: 2024-10-30. Review status: criteria provided, single submitter. Criteria: ACMG Guidelines, 2015. Collection method: clinical testing. Allele origin: germline.

Athena Diagnostics
Classification: Likely benign. Last evaluated: 2024-10-10. Review status: criteria provided, single submitter. Criteria: Athena Diagnostics Criteria. Collection method: clinical testing. Allele origin: unknown.

CeGaT Center for Human Genetics Tuebingen
Classification: Likely benign. Last evaluated: 2024-10-01. Review status: criteria provided, single submitter. Criteria: CeGaT Center For Human Genetics Tuebingen Variant Classification Criteria Version 2. Collection method: clinical testing. Allele origin: germline. Affected: yes. Observed: 1 variant allele.
Comment: KIF1A: BP4, BP7

GeneDx
Classification: Likely benign. Last evaluated: 2021-04-24. Review status: criteria provided, single submitter. Criteria: GeneDx Variant Classification Process June 2021. Collection method: clinical testing. Allele origin: germline. Affected: yes.

Ambry Genetics
Classification: Likely benign for Inborn genetic diseases. Last evaluated: 2018-02-08. Review status: criteria provided, single submitter. Criteria: Ambry Variant Classification Scheme 2023. Collection method: clinical testing. Allele origin: germline.

Illumina Laboratory Services, Illumina
Classification: Uncertain significance for Spastic paraplegia 30A, autosomal dominant. Last evaluated: 2018-01-13. Review status: criteria provided, single submitter. Criteria: ICSL Variant Classification Criteria 13 December 2019. Collection method: clinical testing. Allele origin: germline.